The following is an entry in ClinVar:

ClinVar aggregate classification (germline): not provided (0 of 4 stars; one submission).

Conditions:
Normal pregnancy. Identifiers: MedGen C0232989.

Submission:

Institute of Molecular and Cell Biology, University of Tartu
No classification provided. Condition: Normal pregnancy. Review status: no classification provided. Collection method: case-control. Allele origin: unknown. Affected: yes. Study: Kasak2014.
Comment: The study aimed to determine the contribution of copy number variants in the genetic etiology of normal and complicated pregnancies. The samples represented (i) maternal blood DNA drawn from healthy pregnant women during 1st or 2nd trimester and (ii) maternal and paternal blood DNA drawn at term pregnancy cases representing normal and complicated gestations (severe preeclampsia, PE; gestational diabetes, GD; small-for-gestational age newborn, SGA; large-for-gestational age newborn, LGA). We performed CNV calling based on genome-wide genotyping dataset (Illumina HumanOmniExpress-24-v1 BeadChip) by applying three algorithms, QuantiSNP, GADA (Genome Alteration Detection Algorithm) and CNstream in parallel. The acquired CNV calls were merged with HD-CNV (Hotspot Detector for Copy Number Variants) program and only the CNVs predicted by at least two programs, were considered in subsequent analysis.

Literature cited by the submitters: PubMed 25666259.

Single allele

Genes: PSG1 (pregnancy specific beta-1-glycoprotein 1; minus strand), PSG11 (pregnancy specific beta-1-glycoprotein 11; minus strand), PSG2 (pregnancy specific beta-1-glycoprotein 2; minus strand), PSG4 (pregnancy specific beta-1-glycoprotein 4; minus strand), PSG5 (pregnancy specific beta-1-glycoprotein 5; minus strand) and 2 more. Cytogenetic location: 19q13.2-13.31.
Variant type: Deletion.
Identifiers: ClinVar variation 157446 (VCV000157446.2).